The following is an entry in ClinVar:

NM_003742.4(ABCB11):c.2024A>G (p.Asp675Gly)

Gene: ABCB11 (ATP binding cassette subfamily B member 11; minus strand). Cytogenetic location: 2q31.1.
Variant type: single nucleotide variant.
Coding change: c.2024A>G on transcript NM_003742.4 (MANE Select); coding-DNA position 2024, A replaced by G.
Protein change: p.Asp675Gly; replaces aspartic acid 675 with glycine.
Molecular consequence: missense variant.
Genome position (GRCh38, 1-based): chr2:168,968,478, T>C on the plus strand (A>G on the coding strand, the complement: ABCB11 is on the minus strand). VCF-style: chr2-168968478-T-C. GRCh37 (hg19) VCF-style: chr2-169824988-T-C.
Other names: short protein forms D675G.
Identifiers: ClinVar variation 3608136 (VCV003608136.2).

ClinVar aggregate classification (germline): Uncertain significance (1 of 4 stars; one submission).

Submission:

Labcorp Genetics (formerly Invitae), Labcorp
Classification: Uncertain significance. Last evaluated: 2024-07-10. Review status: criteria provided, single submitter. Criteria: Invitae Variant Classification Sherloc (09022015). Collection method: clinical testing. Allele origin: germline.
Comment: This sequence change replaces aspartic acid, which is acidic and polar, with glycine, which is neutral and non-polar, at codon 675 of the ABCB11 protein (p.Asp675Gly). This variant is not present in population databases (gnomAD no frequency). This variant has not been reported in the literature in individuals affected with ABCB11-related conditions. Advanced modeling of protein sequence and biophysical properties (such as structural, functional, and spatial information, amino acid conservation, physicochemical variation, residue mobility, and thermodynamic stability) performed at Invitae indicates that this missense variant is not expected to disrupt ABCB11 protein function with a negative predictive value of 95%. Algorithms developed to predict the effect of sequence changes on RNA splicing suggest that this variant may disrupt the consensus splice site. In summary, the available evidence is currently insufficient to determine the role of this variant in disease. Therefore, it has been classified as a Variant of Uncertain Significance.